The following is an entry in ClinVar:

ClinVar aggregate classification (germline): Uncertain significance. Review status: criteria provided, multiple submitters, no conflicts (2 of 4 stars). 2 submissions from 2 submitters: Uncertain significance (2). Last evaluated 2025-09-11.

Conditions:
Familial hypercholesterolemia. Also called: Familial hypercholesterolaemia; Familial hypercholesterolemias. Identifiers: MedGen C0020445, MONDO:0005439.
Hypercholesterolemia, autosomal dominant, 3 (FHCL3). Also called: PCSK9-Related Familial Hypercholesterolemia, Autosomal Dominant; Familial Hypercholesterolemia, Autosomal Dominant, 3; Familial hypercholesterolemia 3. Identifiers: MedGen C1863551, MONDO:0011369, OMIM 603776.

Submissions (2):

Color Diagnostics, LLC DBA Color Health
Classification: Uncertain significance for Familial hypercholesterolemia. Last evaluated: 2025-09-11. Review status: criteria provided, single submitter. Criteria: ACMG Guidelines, 2015. Collection method: clinical testing. Allele origin: germline.
Comment: This missense variant replaces glutamic acid with glycine at codon 405 of the PCSK9 protein. Computational prediction suggests that this variant may not impact protein structure and function. To our knowledge, functional studies have not been reported for this variant. This variant has not been reported in individuals affected with PCSK9-related disorders in the literature. This variant has not been identified in the general population by the Genome Aggregation Database (gnomAD). The available evidence is insufficient to determine the role of this variant in disease conclusively. Therefore, this variant is classified as a Variant of Uncertain Significance.

All of Us Research Program, National Institutes of Health
Classification: Uncertain significance for Hypercholesterolemia, autosomal dominant, 3. Last evaluated: 2023-03-09. Review status: criteria provided, single submitter. Criteria: ACMG Guidelines, 2015. Collection method: clinical testing. Allele origin: germline. Inheritance: Autosomal dominant inheritance. Observed: 1 variant allele, 1 heterozygote.
Comment: This missense variant replaces glutamic acid with glycine at codon 405 of the PCSK9 protein. Computational prediction suggests that this variant may not impact protein structure and function (internally defined REVEL score threshold <= 0.5, PMID: 27666373). To our knowledge, functional studies have not been reported for this variant. This variant has not been reported in individuals affected with PCSK9-related disorders in the literature. This variant has not been identified in the general population by the Genome Aggregation Database (gnomAD). The available evidence is insufficient to determine the role of this variant in disease conclusively. Therefore, this variant is classified as a Variant of Uncertain Significance.

This study involves interpretation of variants in research participants for the purpose of population health screening. Participant phenotype was not available at the time of variant classification. Additional details can be found in publication PMID: 35346344, PMCID: PMC8962531

NM_174936.4(PCSK9):c.1214A>G (p.Glu405Gly)

Gene: PCSK9 (proprotein convertase subtilisin/kexin type 9; plus strand). Cytogenetic location: 1p32.3.
Variant type: single nucleotide variant.
Coding change: c.1214A>G on transcript NM_174936.4 (MANE Select); coding-DNA position 1214, A replaced by G.
Protein change: p.Glu405Gly; replaces glutamic acid 405 with glycine.
Molecular consequence: missense variant. On other transcripts: non-coding transcript variant (8), intron variant (2).
Genome position (GRCh38, 1-based): chr1:55,058,069, A>G. VCF-style: chr1-55058069-A-G. GRCh37 (hg19) VCF-style: chr1-55523742-A-G.
Other names: c.1337A>G, p.Glu446Gly (NM_001407240.1); c.1214A>G, p.Glu405Gly (NM_001407241.1); c.1217A>G, p.Glu406Gly (NM_001407242.1); c.1157A>G, p.Glu386Gly (NM_001407243.1); c.1022A>G, p.Glu341Gly (NM_001407245.1); c.839A>G, p.Glu280Gly (NM_001407246.1); c.1181-430A>G (NM_001407244.1); c.1180+555A>G (NM_001407247.1); short protein forms E280G, E341G, E386G, E405G, E406G, E446G.
Identifiers: ClinVar variation 3069836 (VCV003069836.2), dbSNP rs2523258987, ClinGen allele CA340477124.